The following is an entry in ClinVar:

ClinVar aggregate classification (germline): Uncertain significance (1 of 4 stars; one submission).

Conditions:
Congenital myasthenic syndrome 10. Also called: Myasthenia, limb-girdle, familial. Identifiers: Orphanet 590, MedGen C1850792, MONDO:0009690, OMIM 254300.
Fetal akinesia deformation sequence 1 (FADS1). Also called: Fetal akinesia sequence; Pena-Shokeir syndrome type I. Identifiers: Orphanet 994, MedGen C1276035, MONDO:0100101, OMIM 208150, HP:0001989.

gnomAD v4.1: 16 of 1,613,106 alleles (0.00099%); highest among the groups gnomAD compares: East Asian, 0.027%; no homozygotes.

Submission:

Labcorp Genetics (formerly Invitae), Labcorp
Classification: Uncertain significance for Congenital myasthenic syndrome 10; Fetal akinesia deformation sequence 1. Last evaluated: 2022-04-14. Review status: criteria provided, single submitter. Criteria: Invitae Variant Classification Sherloc (09022015). Collection method: clinical testing. Allele origin: germline.
Comment: This variant has not been reported in the literature in individuals affected with DOK7-related conditions. In summary, the available evidence is currently insufficient to determine the role of this variant in disease. Therefore, it has been classified as a Variant of Uncertain Significance. Algorithms developed to predict the effect of missense changes on protein structure and function are either unavailable or do not agree on the potential impact of this missense change (SIFT: "Deleterious"; PolyPhen-2: "Probably Damaging"; Align-GVGD: "Class C15"). This variant is not present in population databases (gnomAD no frequency). This sequence change replaces proline, which is neutral and non-polar, with arginine, which is basic and polar, at codon 128 of the DOK7 protein (p.Pro128Arg).

NM_173660.5(DOK7):c.383C>G (p.Pro128Arg)

Gene: DOK7 (docking protein 7; plus strand). Cytogenetic location: 4p16.3.
Variant type: single nucleotide variant.
Coding change: c.383C>G on transcript NM_173660.5 (MANE Select); coding-DNA position 383, C replaced by G.
Protein change: p.Pro128Arg; replaces proline 128 with arginine.
Molecular consequence: missense variant. On other transcripts: intron variant (1).
Genome position (GRCh38, 1-based): chr4:3,476,393, C>G. VCF-style: chr4-3476393-C-G. GRCh37 (hg19) VCF-style: chr4-3478120-C-G.
Other names: c.383C>G, p.Pro128Arg (NM_001164673.2, NM_001301071.2); c.101-9146C>G (NM_001363811.2); short protein forms P128R.
Identifiers: ClinVar variation 2178609 (VCV002178609.4), dbSNP rs376659660, ClinGen allele CA356114217.